The following is an entry in ClinVar:

ClinVar aggregate classification (germline): Uncertain significance (1 of 4 stars; one submission).

Allele frequency attached by ClinVar (database versions not stated): gnomAD exomes below 0.00001.
gnomAD v4.1: 3 of 1,606,532 alleles (0.00019%); highest among the groups gnomAD compares: Non-Finnish European, 0.00025%; no homozygotes.

Submission:

Labcorp Genetics (formerly Invitae), Labcorp
Classification: Uncertain significance. Last evaluated: 2023-02-10. Review status: criteria provided, single submitter. Criteria: Invitae Variant Classification Sherloc (09022015). Collection method: clinical testing. Allele origin: germline.
Comment: This sequence change replaces tryptophan, which is neutral and slightly polar, with cysteine, which is neutral and slightly polar, at codon 893 of the CEP135 protein (p.Trp893Cys). This variant is not present in population databases (gnomAD no frequency). This variant has not been reported in the literature in individuals affected with CEP135-related conditions. Algorithms developed to predict the effect of missense changes on protein structure and function are either unavailable or do not agree on the potential impact of this missense change (SIFT: "Deleterious"; PolyPhen-2: "Probably Damaging"; Align-GVGD: "Class C15"). In summary, the available evidence is currently insufficient to determine the role of this variant in disease. Therefore, it has been classified as a Variant of Uncertain Significance.

NM_025009.5(CEP135):c.2679G>C (p.Trp893Cys)

Gene: CEP135 (centrosomal protein 135; plus strand). Cytogenetic location: 4q12.
Variant type: single nucleotide variant.
Coding change: c.2679G>C on transcript NM_025009.5 (MANE Select); coding-DNA position 2679, G replaced by C.
Protein change: p.Trp893Cys; replaces tryptophan 893 with cysteine.
Molecular consequence: missense variant.
Genome position (GRCh38, 1-based): chr4:56,011,862, G>C. VCF-style: chr4-56011862-G-C. GRCh37 (hg19) VCF-style: chr4-56878028-G-C.
Other names: short protein forms W893C.
Identifiers: ClinVar variation 2985179 (VCV002985179.3), dbSNP rs2475373988, ClinGen allele CA356967959.